The following is an entry in ClinVar:

ClinVar aggregate classification (germline): Likely pathogenic (1 of 4 stars; one submission).

Conditions:
Inborn genetic diseases. Identifiers: MedGen C0950123, MeSH D030342.

Submission:

Ambry Genetics
Classification: Likely pathogenic for Inborn genetic diseases. Last evaluated: 2023-10-24. Review status: criteria provided, single submitter. Criteria: Ambry Variant Classification Scheme 2023. Collection method: clinical testing. Allele origin: germline.
Comment: The c.1497_1507dup11 (p.G503Afs*56) alteration, located in coding exon 3 of the ZIC2 gene, results from a duplication of CGGCGGGGCGG at position 1497, causing a translational frameshift with a predicted alternate stop codon after 56 amino acids. This alteration occurs at the 3' terminus of the ZIC2 gene, is not expected to trigger nonsense-mediated mRNA decay, and results in the elongation of the protein by 25 amino acids. This frameshift impacts the last 5.6% of the native protein. However, frameshifts are typically deleterious in nature and a significant portion of the protein is affected (Ambry internal data). Based on the available evidence, this alteration is classified as likely pathogenic.

NM_007129.5(ZIC2):c.1497_1507dup (p.Gly503fs)

Gene: ZIC2 (Zic family member 2; plus strand). Cytogenetic location: 13q32.3.
Variant type: Duplication.
Coding change: c.1497_1507dup on transcript NM_007129.5 (MANE Select); coding-DNA positions 1497 to 1507, 11 bases duplicated (CGGCGGGGCGG).
Protein change: p.Gly503fs; shifts the reading frame from glycine 503.
Molecular consequence: frameshift variant.
Genome position (GRCh38, 1-based): chr13:99,985,580-99,985,590, CGGCGGGGCGG duplicated; duplicating any 11 consecutive bases within chr13:99,985,573-99,985,590 gives the same sequence; the c. name uses the placement nearest the transcript's 3' end. VCF-style (leftmost placement, unchanged base first): chr13-99985572-G-GGGGGCGGCGGC. GRCh37 (hg19) VCF-style: chr13-100637826-G-GGGGGCGGCGGC.
Other names: short protein forms G503fs.
Identifiers: ClinVar variation 3193559 (VCV003193559.1), dbSNP rs2501551952, ClinGen allele CA2825002206.
Genomic context (GRCh38, chr13:99,985,572, plus strand): 5'-GGCGGAGGCTCGGGCAGTGGCGGCGCGGGAGGCGGCTCAGGCGGCGGCAGCGGCAGTGGC[G>GGGGGCGGCGGC]GGGGCGGCGGCGGGGCGGGCGGCGGGGGCGGCGGCAGCTCTGGCGGGGGCAGCGGGACAG-3'